The following is an entry in ClinVar:

NM_004656.4(BAP1):c.6T>C (p.Asn2=)

Gene: BAP1 (BRCA1 associated deubiquitinase 1; minus strand). Cytogenetic location: 3p21.1.
Variant type: single nucleotide variant.
Coding change: c.6T>C on transcript NM_004656.4 (MANE Select); coding-DNA position 6, T replaced by C.
Protein change: p.Asn2=; no amino-acid change (asparagine 2 retained).
Molecular consequence: synonymous variant.
Genome position (GRCh38, 1-based): chr3:52,409,873, A>G on the plus strand (T>C on the coding strand, the complement: BAP1 is on the minus strand). VCF-style: chr3-52409873-A-G. GRCh37 (hg19) VCF-style: chr3-52443889-A-G.
Identifiers: ClinVar variation 490883 (VCV000490883.17), dbSNP rs753081347, ClinGen allele CA2437264.

ClinVar aggregate classification (germline): Benign/Likely benign. Review status: criteria provided, multiple submitters, no conflicts (2 of 4 stars). 6 submissions from 5 submitters: Benign (2); Likely benign (4). Last evaluated 2025-11-10.

Conditions:
Melanoma, uveal, susceptibility to, 2 (UVM2). Also called: Melanoma, uveal 2. Identifiers: Orphanet 39044, MedGen C1847723, MONDO:0011696, OMIM 606661.
Hereditary cancer-predisposing syndrome. Also called: Hereditary Cancer Syndrome; Neoplastic Syndromes, Hereditary; Tumor predisposition; Hereditary neoplastic syndrome. Identifiers: Orphanet 140162, MedGen C0027672, MeSH D009386, MONDO:0015356.
BAP1-related tumor predisposition syndrome (TPDS1). Also called: Tumor susceptibility linked to germline BAP1 mutations; BAP1 tumor predisposition syndrome; COMMON Syndrome; TUMOR PREDISPOSITION SYNDROME 1. Identifiers: Orphanet 289539, MedGen C3280492, MONDO:0013692, OMIM 614327.

Allele frequency attached by ClinVar (database versions not stated): gnomAD 0.00001; gnomAD exomes 0.00003 and 0.00005; ExAC 0.00005.

Submissions (6):

Labcorp Genetics (formerly Invitae), Labcorp
Classification: Likely benign for BAP1-related tumor predisposition syndrome. Last evaluated: 2025-11-10. Review status: criteria provided, single submitter. Criteria: Invitae Variant Classification Sherloc (09022015). Collection method: clinical testing. Allele origin: germline.

KCCC/NGS Laboratory, Kuwait Cancer Control Center
Classification: Benign for BAP1-related tumor predisposition syndrome. Last evaluated: 2025-02-01. Review status: criteria provided, single submitter. Criteria: ACMG Guidelines, 2015. Collection method: clinical testing. Allele origin: germline. Affected: no.

Myriad Genetics, Inc.
Classification: Benign for BAP1-related tumor predisposition syndrome. Last evaluated: 2024-07-11. Review status: criteria provided, single submitter. Criteria: Myriad Autosomal Dominant, Autosomal Recessive and X-Linked Classification Criteria (2023). Collection method: clinical testing. Allele origin: unknown.
Comment: This variant is considered benign. This variant is a silent/synonymous amino acid change and it is not expected to impact splicing.

KCCC/NGS Laboratory, Kuwait Cancer Control Center
Classification: Likely benign for Melanoma, uveal, susceptibility to, 2. Last evaluated: 2023-07-07. Review status: criteria provided, single submitter. Criteria: ACMG Guidelines, 2015. Collection method: clinical testing. Allele origin: germline. Affected: yes.

Ambry Genetics
Classification: Likely benign for Hereditary cancer-predisposing syndrome. Last evaluated: 2020-07-20. Review status: criteria provided, single submitter. Criteria: Ambry Variant Classification Scheme 2023. Collection method: clinical testing. Allele origin: germline.

Color Diagnostics, LLC DBA Color Health
Classification: Likely benign for Hereditary cancer-predisposing syndrome. Last evaluated: 2017-08-30. Review status: criteria provided, single submitter. Criteria: ACMG Guidelines, 2015. Collection method: clinical testing. Allele origin: germline.